The following is an entry in ClinVar:

NM_032638.5(GATA2):c.1031_1049del (p.Arg344fs)

Gene: GATA2 (GATA binding protein 2; minus strand). Cytogenetic location: 3q21.3.
Variant type: Deletion.
Coding change: c.1031_1049del on transcript NM_032638.5 (MANE Select); coding-DNA positions 1031 to 1049, 19 bases deleted (GAGCCGGCACCTGTTGTGC).
Protein change: p.Arg344fs; shifts the reading frame from arginine 344.
Molecular consequence: frameshift variant. On other transcripts: intron variant (1).
Genome position (GRCh38, 1-based): chr3:128,481,913-128,481,931, GCACAACAGGTGCCGGCTC deleted on the plus strand (GAGCCGGCACCTGTTGTGC on the coding strand, the reverse complement: GATA2 is on the minus strand). VCF-style (leftmost placement, unchanged base first): chr3-128481912-TGCACAACAGGTGCCGGCTC-T. GRCh37 (hg19) VCF-style: chr3-128200755-TGCACAACAGGTGCCGGCTC-T.
Other names: c.1031_1049del, p.Arg344fs (NM_001145661.2); c.1018-29_1018-11del (NM_001145662.1); short protein forms R344fs.
Identifiers: ClinVar variation 1184220 (VCV001184220.1), dbSNP rs2107668749, ClinGen allele CA2499216436.

ClinVar aggregate classification (germline): Pathogenic (1 of 4 stars; one submission).

Conditions:
Deafness-lymphedema-leukemia syndrome. Also called: Emberger syndrome; Lymphedema, primary, with myelodysplasia. Identifiers: Orphanet 3226, MedGen C3279664, MONDO:0013540, OMIM 614038.
GATA2 deficiency with susceptibility to MDS/AML. Identifiers: MedGen CN300066, MONDO:0042982.

Submission:

Molecular Pathology Research Laboratory, SA Pathology
Classification: Pathogenic for GATA2 deficiency with susceptibility to MDS/AML; Deafness-lymphedema-leukemia syndrome. Last evaluated: 2021-07-06. Review status: criteria provided, single submitter. Criteria: ACMG Guidelines, 2015. Collection method: curation. Allele origin: de novo. Inheritance: Autosomal dominant inheritance. Affected: yes. Observed: 1 variant allele.
Comment: PVS1, PS2, PS4_Supporting, PM2

Literature cited by the submitters: PubMed 26702063.